The following is an entry in ClinVar:

NM_004369.4(COL6A3):c.3061C>T (p.Pro1021Ser)

Gene: COL6A3 (collagen type VI alpha 3 chain; minus strand). Cytogenetic location: 2q37.3.
Variant type: single nucleotide variant.
Coding change: c.3061C>T on transcript NM_004369.4 (MANE Select); coding-DNA position 3061, C replaced by T.
Protein change: p.Pro1021Ser; replaces proline 1021 with serine.
Molecular consequence: missense variant.
Genome position (GRCh38, 1-based): chr2:237,376,781, G>A on the plus strand (C>T on the coding strand, the complement: COL6A3 is on the minus strand). VCF-style: chr2-237376781-G-A. GRCh37 (hg19) VCF-style: chr2-238285424-G-A.
Other names: c.1840C>T, p.Pro614Ser (NM_057164.5); c.2443C>T, p.Pro815Ser (NM_057165.5, NM_057167.4); c.1240C>T, p.Pro414Ser (NM_057166.5); short protein forms P614S, P414S, P815S, P1021S.
Identifiers: ClinVar variation 961946 (VCV000961946.10), dbSNP rs2077852366, ClinGen allele CA351206668.

ClinVar aggregate classification (germline): Uncertain significance (1 of 4 stars; one submission).

Conditions:
Bethlem myopathy 1A. Also called: Bethlem Muscular Dystrophy; Bethlem myopathy 1; MYOPATHY, BENIGN CONGENITAL, WITH CONTRACTURES. Identifiers: Orphanet 610, MedGen CN029274, MONDO:0024530, OMIM 158810.

Submission:

Labcorp Genetics (formerly Invitae), Labcorp
Classification: Uncertain significance for Bethlem myopathy 1A. Last evaluated: 2025-10-02. Review status: criteria provided, single submitter. Criteria: Invitae Variant Classification Sherloc (09022015). Collection method: clinical testing. Allele origin: germline.
Comment: This sequence change replaces proline, which is neutral and non-polar, with serine, which is neutral and polar, at codon 1021 of the COL6A3 protein (p.Pro1021Ser). This variant is not present in population databases (gnomAD no frequency). This variant has not been reported in the literature in individuals affected with COL6A3-related conditions. ClinVar contains an entry for this variant (Variation ID: 961946). Invitae Evidence Modeling of protein sequence and biophysical properties (such as structural, functional, and spatial information, amino acid conservation, physicochemical variation, residue mobility, and thermodynamic stability) indicates that this missense variant is not expected to disrupt COL6A3 protein function with a negative predictive value of 80%. In summary, the available evidence is currently insufficient to determine the role of this variant in disease. Therefore, it has been classified as a Variant of Uncertain Significance.